The following is an entry in ClinVar:

ClinVar aggregate classification (germline): Pathogenic. Review status: criteria provided, multiple submitters, no conflicts (2 of 4 stars). 5 submissions from 5 submitters: Pathogenic (4). 1 of the submissions does not count toward it. Last evaluated 2025-10-30.

Conditions:
Epidermolysis bullosa dystrophica. Also called: Dystrophic epidermolysis bullosa, Hallopeau-Siemens type (formerly); Dystrophic epidermolysis bullosa. Identifiers: Orphanet 303, MedGen C0079294, MONDO:0006543.
Recessive dystrophic epidermolysis bullosa (RDEB). Also called: severe generalized recessive dystrophic epidermolysis bullosa; EPIDERMOLYSIS BULLOSA DYSTROPHICA, GENERALIZED SEVERE, AUTOSOMAL RECESSIVE; DYSTROPHIC EPIDERMOLYSIS BULLOSA, AUTOSOMAL RECESSIVE; EPIDERMOLYSIS BULLOSA DYSTROPHICA, HALLOPEAU-SIEMENS TYPE; Epidermolysis Bullosa Distrophica Autosomal Recessive (RDEB); epidermolysis bullosa dystrophica, autosomal recessive. Identifiers: Orphanet 79408, Orphanet 79409, MedGen C0079474, MONDO:0009179, OMIM 226600.

Allele frequency attached by ClinVar (database versions not stated): ExAC 0.00002; gnomAD exomes 0.00001 and 0.00002; gnomAD 0.00002; ESP Exome Variant Server 0.00015.
gnomAD v4.1: 14 of 1,614,068 alleles (0.00087%); highest among the groups gnomAD compares: East Asian, 0.0067%; no homozygotes.

Submissions (5):

Natera, Inc.
Classification: Pathogenic for Dystrophic epidermolysis bullosa. Last evaluated: 2025-10-30. Review status: criteria provided, single submitter. Criteria: Natera Variant Classification Schema (03/2026). Collection method: clinical testing. Allele origin: germline.
Comment: The c.8038G>A variant in COL7A1 is a missense variant predicted to cause substitution of glycine to serine at amino acid 2680. This variant is rare in the general population with a frequency below the threshold expected for the associated phenotype(s). This variant has been observed in one or more individuals affected with the associated recessive disease, as either homozygous or compound heterozygous with a second variant (PMID: 22266148, 27899325, 31634165, 36287101). Computational prediction algorithms indicate this variant is likely to affect gene or protein function. Given the available evidence, this variant is classified as Pathogenic.

Labcorp Genetics (formerly Invitae), Labcorp
Classification: Pathogenic. Last evaluated: 2024-10-08. Review status: criteria provided, single submitter. Criteria: Invitae Variant Classification Sherloc (09022015). Collection method: clinical testing. Allele origin: germline.
Comment: This sequence change replaces glycine, which is neutral and non-polar, with serine, which is neutral and polar, at codon 2680 of the COL7A1 protein (p.Gly2680Ser). This variant is present in population databases (rs370744140, gnomAD 0.01%). This missense change has been observed in individual(s) with autosomal recessive epidermolysis bullosa dystrophica (PMID: 22266148, 29531004, 31634165). In at least one individual the data is consistent with being in trans (on the opposite chromosome) from a pathogenic variant. It has also been observed to segregate with disease in related individuals. ClinVar contains an entry for this variant (Variation ID: 1075764). Invitae Evidence Modeling of protein sequence and biophysical properties (such as structural, functional, and spatial information, amino acid conservation, physicochemical variation, residue mobility, and thermodynamic stability) indicates that this missense variant is expected to disrupt COL7A1 protein function with a positive predictive value of 95%. This variant disrupts the triple helix domain of COL7A1. Glycine residues within the Gly-Xaa-Yaa repeats of the triple helix domain are required for the structure and stability of fibrillar collagens (PMID: 7695699, 8218237, 19344236), and variants at these glycine residues in COL7A1 are more frequently observed in individuals with disease than in the general population (PMID: 22058051). However, the clinical significance of this observation remains uncertain since only a limited number of affected individuals have been described to date. For these reasons, this variant has been classified as Pathogenic.

3billion
Classification: Pathogenic for Recessive dystrophic epidermolysis bullosa. Last evaluated: 2022-03-22. Review status: criteria provided, single submitter. Criteria: ACMG Guidelines, 2015. Collection method: clinical testing. Allele origin: germline. Affected: yes. Observed: 1 homozygote.
Comment: The variant has been reported to be in trans with a pathogenic variant as either compound heterozygous or homozygous in at least 2 similarly affected unrelated individuals(PMID: 31634165, 29531004, 22266148, PM3_S) and reported to co-segregate with the disease in at least 5 similarly affected relatives/individuals in the same family or similarly affected unrelated families (PMID: 31634165). Different pathogenic/likely pathogenic amino acid change has been reported with supporting evidence at the same codon (PMID:21448560). In silico tool predictions suggest damaging effect of the variant on gene or gene product (REVEL: 0.888>=0.6, 3CNET: 0.931>=0.75). It is observed at an extremely low frequency in the gnomAD v2.1.1 dataset (total allele frequency:0.0000199). Therefore, this variant is classified as pathogenic according to the recommendation of ACMG/AMP guideline.

Juno Genomics, Hangzhou Juno Genomics, Inc
Classification: Pathogenic for Recessive dystrophic epidermolysis bullosa. Review status: criteria provided, single submitter. Criteria: ACMG Guidelines, 2015. Collection method: clinical testing. Allele origin: germline. Affected: yes.
Comment: Absent from controls (or at extremely low frequency if recessive) in Genome Aggregation Database, Exome Sequencing Project, 1000 Genomes Project, or Exome Aggregation Consortium.;For recessive disorders, detected in trans with a pathogenic variant.;Multiple lines of computational evidence support a deleterious effect on the gene or gene product (conservation, evolutionary, splicing impact, etc).

Rare Diseases Genetics and Genomics, Islamia College Peshawar
Classification: Pathogenic for Recessive dystrophic epidermolysis bullosa. Last evaluated: 2022-09-12. Review status: no assertion criteria provided. Criteria: ACMG Guidelines, 2015. Collection method: clinical testing. Allele origin: inherited. Inheritance: Autosomal recessive inheritance. Affected: yes. Observed: 1 homozygote. Not counted in ClinVar's aggregate classification.

Literature cited by the submitters: PubMed 22266148 (cited by 3 submitters); PubMed 27899325 (cited by Natera, Inc.); PubMed 31634165 (cited by 3 submitters); PubMed 36287101 (cited by Natera, Inc.); PubMed 29531004 (cited by Labcorp Genetics (formerly Invitae), Labcorp and 3billion); PubMed 7695699 (cited by Labcorp Genetics (formerly Invitae), Labcorp); PubMed 8218237 (cited by Labcorp Genetics (formerly Invitae), Labcorp); PubMed 19344236 (cited by Labcorp Genetics (formerly Invitae), Labcorp); PubMed 22058051 (cited by Labcorp Genetics (formerly Invitae), Labcorp); PubMed 21448560 (cited by 3billion).

NM_000094.4(COL7A1):c.8038G>A (p.Gly2680Ser)

Gene: COL7A1 (collagen type VII alpha 1 chain; minus strand). Cytogenetic location: 3p21.31.
Variant type: single nucleotide variant.
Coding change: c.8038G>A on transcript NM_000094.4 (MANE Select); coding-DNA position 8038, G replaced by A.
Protein change: p.Gly2680Ser; replaces glycine 2680 with serine.
Molecular consequence: missense variant.
Genome position (GRCh38, 1-based): chr3:48,567,582, C>T on the plus strand (G>A on the coding strand, the complement: COL7A1 is on the minus strand). VCF-style: chr3-48567582-C-T. GRCh37 (hg19) VCF-style: chr3-48605015-C-T.
Other names: c.8038G>A (NM_000094.3); short protein forms G2680S.
Identifiers: ClinVar variation 1075764 (VCV001075764.10), dbSNP rs370744140, ClinGen allele CA2378194.
Genomic context (GRCh38, chr3:48,567,582, plus strand): 5'-TCCCTGCCCCATCCTGACTCCCTGTCATGTCCACTGTCCACAGACCCTGTACCTTGGGAC[C>T]GATCAGGCCCTCCTTGCCAGGGGCCCCCGACTGGCCCGGCACACCAGGCTCCCCCTGGAG-3'
Protein context (NP_000085.1, residues 2670-2690): SGAPGKEGLI[Gly2680Ser]PKGDRGFDGQ